The following is an entry in ClinVar:

ClinVar aggregate classification (germline): Uncertain significance. Review status: criteria provided, multiple submitters, no conflicts (2 of 4 stars). 3 submissions from 3 submitters: Uncertain significance (3). Last evaluated 2024-04-22.

Conditions:
Microcephalic primordial dwarfism due to RTTN deficiency (MSSP). Also called: MICROCEPHALY, SHORT STATURE, AND POLYMICROGYRIA; Microcephaly, short stature, and polymicrogyria with or without seizures. Identifiers: Orphanet 468631, MedGen C3553831, MONDO:0018764, OMIM 614833.

Allele frequency attached by ClinVar (database versions not stated): gnomAD 0.00003 and 0.00004; TOPMed 0.00005; gnomAD exomes 0.00006; ExAC 0.00007.
gnomAD v4.1: 63 of 1,610,190 alleles (0.0039%); highest among the groups gnomAD compares: Middle Eastern, 0.049%; no homozygotes.

Submissions (3):

Labcorp Genetics (formerly Invitae), Labcorp
Classification: Uncertain significance. Last evaluated: 2024-04-22. Review status: criteria provided, single submitter. Criteria: Invitae Variant Classification Sherloc (09022015). Collection method: clinical testing. Allele origin: germline.
Comment: This sequence change falls in intron 45 of the RTTN gene. It does not directly change the encoded amino acid sequence of the RTTN protein. It affects a nucleotide within the consensus splice site. This variant is present in population databases (rs587780443, gnomAD 0.01%). This variant has not been reported in the literature in individuals affected with RTTN-related conditions. ClinVar contains an entry for this variant (Variation ID: 130192). Variants that disrupt the consensus splice site are a relatively common cause of aberrant splicing (PMID: 17576681, 9536098). Algorithms developed to predict the effect of sequence changes on RNA splicing suggest that this variant may disrupt the consensus splice site. In summary, the available evidence is currently insufficient to determine the role of this variant in disease. Therefore, it has been classified as a Variant of Uncertain Significance.

Pittsburgh Clinical Genomics Laboratory, University of Pittsburgh Medical Center
Classification: Uncertain significance for Microcephalic primordial dwarfism due to RTTN deficiency. Last evaluated: 2021-09-17. Review status: criteria provided, single submitter. Criteria: ACMG Guidelines, 2015. Collection method: clinical testing. Allele origin: germline. Inheritance: Autosomal recessive inheritance. Affected: yes.
Comment: This sequence change is a single nucleotide substitution 5 base pairs downstream of exon 45 of RTTN. This is a previously reported variant (ClinVar) that has not been reported in patients in the literature with RTTN-related disease. This variant is rare in control population datasets (gnomAD database 17/279660 alleles or 0.006%). Multiple bioinformatic tools predict that this variant would affect gene splicing, and the G nucleotide at this position is highly conserved across the vertebrate species examined. Functiol studies confirming an effect on splicing have not been performed, to our knowledge. At this time, there is insufficient evidence to determine if this variant is pathogenic or benign. Therefore, we consider this a variant of uncertain significance. ACMG Criteria: PM2

Genetic Services Laboratory, University of Chicago
Classification: Uncertain significance. Last evaluated: 2013-10-22. Review status: criteria provided, single submitter. Criteria: ACMG Guidelines, 2007. Collection method: clinical testing. Allele origin: germline. Inheritance: Autosomal recessive inheritance.

Literature cited by the submitters: PubMed 17576681 (cited by Labcorp Genetics (formerly Invitae), Labcorp); PubMed 9536098 (cited by Labcorp Genetics (formerly Invitae), Labcorp).

NM_173630.4(RTTN):c.6153+5G>A

Gene: RTTN (rotatin; minus strand). Cytogenetic location: 18q22.2.
Variant type: single nucleotide variant.
Coding change: c.6153+5G>A on transcript NM_173630.4 (MANE Select); 5 bases into the intron after coding-DNA position 6153, G replaced by A.
Molecular consequence: intron variant.
Genome position (GRCh38, 1-based): chr18:70,020,610, C>T on the plus strand (G>A on the coding strand, the complement: RTTN is on the minus strand). VCF-style: chr18-70020610-C-T. GRCh37 (hg19) VCF-style: chr18-67687846-C-T.
Other names: c.3417+5G>A (NM_001318520.2).
Identifiers: ClinVar variation 130192 (VCV000130192.11), dbSNP rs587780443, ClinGen allele CA231469.